The following is an entry in ClinVar:

NM_001287491.2(TET3):c.3883G>A (p.Val1295Ile)

Gene: TET3 (tet methylcytosine dioxygenase 3; plus strand). Cytogenetic location: 2p13.1.
Variant type: single nucleotide variant.
Coding change: c.3883G>A on transcript NM_001287491.2 (MANE Select); coding-DNA position 3883, G replaced by A.
Protein change: p.Val1295Ile; replaces valine 1295 with isoleucine.
Molecular consequence: missense variant.
Genome position (GRCh38, 1-based): chr2:74,100,671, G>A. VCF-style: chr2-74100671-G-A. GRCh37 (hg19) VCF-style: chr2-74327798-G-A.
Other names: c.3604G>A, p.Val1202Ile (NM_001366022.1); c.3478G>A, p.Val1160Ile (NM_144993.1); short protein forms V1160I, V1202I, V1295I.
Identifiers: ClinVar variation 2578858 (VCV002578858.26), dbSNP rs199849765, ClinGen allele CA1719108.
Genomic context (GRCh38, chr2:74,100,671, plus strand): 5'-TTCCACTCCAAGTACGCTCTCCCGTCTTTTAGCTACTATGGCTTTCCATCCAGCAACCCC[G>A]TCTTCCCCTCTCAGTTCCTGGGTCCTGGTGCCTGGGGGCACAGTGGCAGCAGTGGCAGTT-3'
Protein context (NP_001274420.1, residues 1285-1305): SYYGFPSSNP[Val1295Ile]FPSQFLGPGA

ClinVar aggregate classification (germline): Uncertain significance. Review status: criteria provided, multiple submitters, no conflicts (2 of 4 stars). 2 submissions from 2 submitters: Uncertain significance (2). Last evaluated 2024-05-02.

Conditions:
Beck-Fahrner syndrome (BEFAHRS). Identifiers: Orphanet 684216, MedGen C5394097, MONDO:0032922, OMIM 618798.

Allele frequency attached by ClinVar (database versions not stated): TOPMed 0.00039; gnomAD 0.00040; 1000 Genomes Project 0.00020; gnomAD exomes 0.00052; 1000 Genomes Project 30x 0.00031; ESP Exome Variant Server 0.00032; ExAC 0.00035.
gnomAD v4.1: 804 of 1,613,994 alleles (0.05%); highest among the groups gnomAD compares: Non-Finnish European, 0.061%; 1 homozygote.

Submissions (2):

Pittsburgh Clinical Genomics Laboratory, University of Pittsburgh Medical Center
Classification: Uncertain significance for Beck-Fahrner syndrome. Last evaluated: 2024-05-02. Review status: criteria provided, single submitter. Criteria: ACMG Guidelines, 2015. Collection method: clinical testing. Allele origin: germline. Inheritance: Autosomal unknown. Affected: yes.
Comment: This sequence variant is a single nucleotide substitution (G>A) at position 3883 of the coding sequence of the TET3 gene that results in a valine to isoleucine amino acid change at residue 1295 of the tet methylcytosine dioxygenase 3 protein. This is a previously reported variant (ClinVar 2578858) that has been observed in individuals affected by chronic myelomonocytic leukemia (PMID: 29531217) and Beck-Fahrner syndrome (PMID: 34750377). This variant is present in 804 of 1613994 alleles (0.0498%) in the gnomAD v4.0.0 population dataset. Multiple bioinformatic tools predict that this amino acid change would be neutral, and the Val1295 residue at this position is highly conserved across the vertebrate species examined. Studies examining the functional consequence of this variant have not been published, to our knowledge. At this time, there is insufficient evidence to determine if this variant is pathogenic or benign. Therefore, we consider this a variant of uncertain significance. ACMG Criteria: BP4

CeGaT Center for Human Genetics Tuebingen
Classification: Uncertain significance. Last evaluated: 2023-07-01. Review status: criteria provided, single submitter. Criteria: CeGaT Center For Human Genetics Tuebingen Variant Classification Criteria Version 2. Collection method: clinical testing. Allele origin: germline. Affected: yes. Observed: 1 variant allele.
Comment: TET3: PM2, BP4

Literature cited by the submitters: PubMed 29531217 (cited by Pittsburgh Clinical Genomics Laboratory, University of Pittsburgh Medical Center); PubMed 34750377 (cited by Pittsburgh Clinical Genomics Laboratory, University of Pittsburgh Medical Center).